The following is an entry in ClinVar:

ClinVar aggregate classification (germline): Uncertain significance (1 of 4 stars; one submission).

Conditions:
Ciliary dyskinesia, primary, 47, and lissencephaly (CILD47). Identifiers: MedGen C5561951, MONDO:0030346, OMIM 619466.

Allele frequency attached by ClinVar (database versions not stated): TOPMed below 0.00001; gnomAD exomes 0.00001.

Submission:

MGZ Medical Genetics Center
Classification: Uncertain significance for Ciliary dyskinesia, primary, 47, and lissencephaly. Last evaluated: 2022-05-27. Review status: criteria provided, single submitter. Criteria: ACMG Guidelines, 2015. Collection method: clinical testing. Allele origin: germline. Affected: yes. Observed: 1 variant allele.
Comment: ACMG criteria applied: PM2_SUP, PP3

NM_005427.4(TP73):c.860G>A (p.Arg287His)

Genes: TP73 (tumor protein p73; plus strand), LOC129929200 (ATAC-STARR-seq lymphoblastoid active region 65; plus strand). Cytogenetic location: 1p36.32.
Variant type: single nucleotide variant.
Coding change: c.860G>A on transcript NM_005427.4 (MANE Select); coding-DNA position 860, G replaced by A.
Protein change: p.Arg287His; replaces arginine 287 with histidine.
Molecular consequence: missense variant.
Genome position (GRCh38, 1-based): chr1:3,727,645, G>A. VCF-style: chr1-3727645-G-A. GRCh37 (hg19) VCF-style: chr1-3644209-G-A.
Other names: c.713G>A, p.Arg238His (NM_001126240.3, NM_001126241.3, NM_001126242.3 and 3 more transcripts); c.860G>A, p.Arg287His (NM_001204184.2, NM_001204185.2, NM_001204186.2 and 2 more transcripts); c.647G>A, p.Arg216His (NM_001204192.2); short protein forms R216H, R238H, R287H.
Identifiers: ClinVar variation 1709554 (VCV001709554.1), dbSNP rs988674658, ClinGen allele CA17097743.